The following is an entry in ClinVar:

NM_001164508.2(NEB):c.22315dup (p.Thr7439fs)

Genes: RIF1 (replication timing regulatory factor 1; plus strand), NEB (nebulin; minus strand). Cytogenetic location: 2q23.3.
Variant type: Duplication.
Coding change: c.22315dup on transcript NM_001164508.2 (MANE Select); coding-DNA position 22315, one base duplicated (A; older notation c.22315dupA).
Protein change: p.Thr7439fs; shifts the reading frame from threonine 7439.
Molecular consequence: frameshift variant.
Genome position (GRCh38, 1-based): chr2:151,524,574, T duplicated on the plus strand (A on the coding strand, the reverse complement: NEB is on the minus strand). VCF-style (leftmost placement, unchanged base first): chr2-151524573-G-GT. GRCh37 (hg19) VCF-style: chr2-152381087-G-GT.
Other names: c.22315dup, p.Thr7439fs (NM_001164507.2); c.22420dup, p.Thr7474fs (NM_001271208.2); c.17212dup, p.Thr5738fs (NM_004543.5); short protein forms T5738fs, T7439fs, T7474fs.
Identifiers: ClinVar variation 1724747 (VCV001724747.2), dbSNP rs2552108726, ClinGen allele CA2580063983.

ClinVar aggregate classification (germline): Likely pathogenic (1 of 4 stars; one submission).

Conditions:
Nemaline myopathy 2 (NEM2). Also called: Nemaline myopathy 2, autosomal recessive. Identifiers: MedGen C1850569, MONDO:0009725, OMIM 256030.

Submission:

Myriad Genetics, Inc.
Classification: Likely pathogenic for Nemaline myopathy 2. Last evaluated: 2021-11-19. Review status: criteria provided, single submitter. Criteria: Myriad Women's Health Autosomal Recessive and X-Linked Classification Criteria (2021). Collection method: clinical testing. Allele origin: unknown.
Comment: NM_001271208.1(NEB):c.22420dupA(T7474Nfs*4) is expected to be pathogenic in the context of NEB-related nemaline myopathy. This variant is predicted to lead to an abnormal or absent protein product due to the creation of a premature termination codon in NEB, a gene where loss-of-function variants are known to be pathogenic. Please note: this variant was assessed in the context of healthy population screening.